The following is an entry in ClinVar:

ClinVar aggregate classification (germline): Likely pathogenic (1 of 4 stars; one submission).

Conditions:
Granulomatous disease, chronic, autosomal recessive, cytochrome b-positive, type 1. Also called: Chronic granulomatous disease due to deficiency of NCF-1; Chronic granulomatous disease 1, autosomal recessive; Chronic Granulomatous Disease, Autosomal Recessive, Cytochrome b-Positive, Type I; CGD, AUTOSOMAL RECESSIVE CYTOCHROME b-POSITIVE, TYPE I; GRANULOMATOUS DISEASE, CHRONIC, DUE TO NCF1 DEFICIENCY. Identifiers: Orphanet 379, MedGen C1856251, MONDO:0009309, OMIM 233700.

Submission:

First Genomix Gene Laboratory, Genetic Diagnostics Department
Classification: Likely pathogenic for Granulomatous disease, chronic, autosomal recessive, cytochrome b-positive, type 1. Last evaluated: 2025-03-27. Review status: criteria provided, single submitter. Criteria: ACMG Guidelines, 2015. Collection method: clinical testing. Allele origin: germline. Inheritance: Autosomal recessive inheritance. Affected: no. Observed: 1 variant allele.

NM_000265.7(NCF1):c.144delinsTGT (p.Glu49fs)

Genes: NCF1 (neutrophil cytosolic factor 1; plus strand), LOC106029312 (Williams-Beuren syndrome medial block B recombination region; plus strand). Cytogenetic location: 7q11.23.
Variant type: Indel.
Coding change: c.144delinsTGT on transcript NM_000265.7 (MANE Select); coding-DNA position 144, C replaced by TGT.
Protein change: p.Glu49fs; shifts the reading frame from glutamic acid 49.
Molecular consequence: frameshift variant.
Genome position (GRCh38, 1-based): chr7:74,777,338, C replaced by TGT. VCF-style: chr7-74777338-C-TGT. GRCh37 (hg19) VCF-style: chr7-74191684-C-TGT.
Other names: short protein forms E49fs.
Identifiers: ClinVar variation 4845844 (VCV004845844.1).